The following is an entry in ClinVar:

NM_006225.4(PLCD1):c.843G>A (p.Ser281=)

Gene: PLCD1 (phospholipase C delta 1; minus strand). Cytogenetic location: 3p22.2.
Variant type: single nucleotide variant.
Coding change: c.843G>A on transcript NM_006225.4 (MANE Select); coding-DNA position 843, G replaced by A.
Protein change: p.Ser281=; no amino-acid change (serine 281 retained).
Molecular consequence: synonymous variant. On other transcripts: non-coding transcript variant (1).
Genome position (GRCh38, 1-based): chr3:38,010,510, C>T on the plus strand (G>A on the coding strand, the complement: PLCD1 is on the minus strand). VCF-style: chr3-38010510-C-T. GRCh37 (hg19) VCF-style: chr3-38052001-C-T.
Other names: NC_000003.11:g.38052001C>T; c.906G>A, p.Ser302= (NM_001130964.2).
Identifiers: ClinVar variation 3040855 (VCV003040855.3), dbSNP rs138396052, ClinGen allele CA2313233.
Genomic context (GRCh38, chr3:38,010,510, plus strand): 5'-TGGCTGGCCCATGTCCTGGTAGACACGGCGGTGTGCCAGGCTGAAGGCGCTGCCGTCAGC[C>T]GACAGTAAGTACATGAGGAAGCCGTCCTTGGTCATCTGCCGCTGCGCCTTGGCTGGGAGG-3'
Protein context (NP_006216.2, residues 271-291): TKDGFLMYLL[Ser281=]ADGSAFSLAH

ClinVar aggregate classification (germline): Likely benign (0 of 4 stars; one submission).

Conditions:
PLCD1-related disorder. Also called: PLCD1-related condition.

Allele frequency attached by ClinVar (database versions not stated): gnomAD exomes 0.00009; ESP Exome Variant Server 0.00015; ExAC 0.00008; TOPMed 0.00008; gnomAD 0.00009.

Submissions (2):

PreventionGenetics, part of Exact Sciences
Classification: Likely benign for PLCD1-related condition. Last evaluated: 2019-10-01. Review status: no assertion criteria provided. Collection method: clinical testing. Allele origin: germline.
Comment: This variant is classified as likely benign based on ACMG/AMP sequence variant interpretation guidelines (Richards et al. 2015 PMID: 25741868, with internal and published modifications).

Dr. Peter K. Rogan Lab, Western University
No classification provided (evidence only). Condition: Ovarian serous cystadenocarcinoma. Review status: no classification provided. Collection method: in vitro. Allele origin: not applicable. Functional consequence: retained intron. Not counted in ClinVar's aggregate classification.